The following continues an entry in ClinVar:

NM_000051.4(ATM):c.320G>A (p.Cys107Tyr)

Gene: ATM. ClinVar aggregate classification (germline): Conflicting classifications of pathogenicity. Uncertain significance (8); Benign (2); Likely benign (8).

Submissions 15 to 21 of 21:

GeneDx
Classification: Uncertain significance. Last evaluated: 2017-12-15. Review status: criteria provided, single submitter. Criteria: GeneDx Variant Classification (06012015). Collection method: clinical testing. Allele origin: germline. Affected: yes.
Comment: This variant is denoted ATM c.320G>A at the cDNA level, p.Cys107Tyr (C107Y) at the protein level, and results in the change of a Cysteine to a Tyrosine (TGT>TAT). This variant has been reported in the compound heterozygous state with a nonsense variant in one individual with Ataxia-telangiectasia (A-T), whose diagnosis was confirmed by clinical observation and radiation sensitivity testing (Bernstein 2003). This variant was also observed in at least two individuals undergoing hereditary cancer testing (Yorczyk 2014, Yurgelun 2015), and in at least one individual with acute myeloid leukemia (Lu 2015). Hirsch et al. (2008) did not identify ATM Cys107Tyr in a series of 31 African-American individuals with breast cancer, but did observe it in 1/95 age- and population-matched controls, and Decker et al. (2017) observed this variant in 1/13,087 breast cancer cases and 2/5,488 controls from the United Kingdom. This variant was also observed in a multi-ethnic breast cancer case/control study in which no statistically significant association with breast cancer was identified after correcting for multiple comparisons (Haiman 2013). ATM Cys107Tyr was observed at an allele frequency of 0.21% in individuals of African ancestry in large population cohorts (Lek 2016). This variant is not located in a known functional domain. In silico analysis, which includes protein predictors and evolutionary conservation, supports a deleterious effect. Based on currently available evidence, it is unclear whether ATM Cys107Tyr is a pathogenic or benign variant. We consider it to be a variant of uncertain significance.

Fulgent Genetics
Classification: Uncertain significance for Familial cancer of breast; Ataxia-telangiectasia syndrome. Last evaluated: 2017-05-23. Review status: criteria provided, single submitter. Criteria: ACMG Guidelines, 2015. Collection method: clinical testing. Allele origin: unknown.

Institute for Biomarker Research, Medical Diagnostic Laboratories, L.L.C.
Classification: Uncertain significance for Hereditary cancer-predisposing syndrome. Last evaluated: 2017-02-14. Review status: criteria provided, single submitter. Criteria: ACMG Guidelines, 2015. Collection method: clinical testing. Allele origin: germline.

Color Diagnostics, LLC DBA Color Health
Classification: Likely benign for Hereditary cancer-predisposing syndrome. Last evaluated: 2015-10-29. Review status: criteria provided, single submitter. Criteria: ACMG Guidelines, 2015. Collection method: clinical testing. Allele origin: germline.

Genetic Services Laboratory, University of Chicago
Classification: Likely benign. Last evaluated: 2022-09-09. Review status: no assertion criteria provided. Collection method: clinical testing. Allele origin: germline. Affected: no. Not counted in ClinVar's aggregate classification.

Counsyl
Classification: Uncertain significance for Ataxia-telangiectasia syndrome. Last evaluated: 2017-06-23. Review status: no assertion criteria provided. Collection method: clinical testing. Allele origin: unknown. Not counted in ClinVar's aggregate classification.

Department of Pathology and Laboratory Medicine, Sinai Health System
Classification: Uncertain significance for Malignant tumor of breast. Review status: no assertion criteria provided. Collection method: clinical testing. Allele origin: unknown. Affected: yes. Study: The Canadian Open Genetics Repository (COGR). Not counted in ClinVar's aggregate classification.
Comment: The ATM p.Cys107Tyr variant was identified in 4 of 36,874 proband chromosomes (frequency: 0.0001) from individuals or families with ataxia tenlangiectasia, acute myeloid leukemia, Lynch Syndrome or breast cancer and was present in 3 of 11,166 control chromosomes (frequency: 0.0003) from healthy individuals (Bernstein 2003, Lu 2015, Yurgelun 2015, Hirsch 2008, Decker 2017). The variant was identified in dbSNP (rs142358238) as â€šÃ„Ãºwith other alleleâ€šÃ„Ã¹ and ClinVar (classified as uncertain significance by Invitae, GeneDx, Counsyl and 5 other submitters; and as likely benign by Ambry Genetics and Color). The variant was not identified in LOVD 3.0. The variant was identified in control databases in 60 of 281,758 chromosomes at a frequency of 0.0002 (Genome Aggregation Database Feb 27, 2017). The variant was observed in the following populations: African in 53 of 24,862 chromosomes (freq: 0.002), Latino in 6 of 35,344 chromosomes (freq: 0.0002), and South Asian in 1 of 30,544 chromosomes (freq: 0.00003), while it was not observed in the Ashkenazi Jewish, East Asian, Finnish, European or Other populations. This variant was identified in the compound heterozygous state in an individual with ataxia telangiectasia with a co-occurring, pathogenic ATM variant (c.7327C>T, p.Arg2443*; Bernstein 2003). The p.Cys107 residue is conserved in mammals but not in more distantly related organisms, although four out of five computational analyses (PolyPhen-2, SIFT, AlignGVGD, BLOSUM, MutationTaster) do not suggest a high likelihood of impact to the protein; this information is not predictive enough to rule out pathogenicity. The variant occurs outside of the splicing consensus sequence and in silico or computational prediction software programs (SpliceSiteFinder, MaxEntScan, NNSPLICE, GeneSplicer) do not predict a difference in splicing. In summary, based on the above information, the clinical significance of this variant cannot be determined with certainty at this time. This variant is classified as a variant of uncertain significance.

Literature cited by the submitters: PubMed 12673797 (cited by 5 submitters); PubMed 23555315 (cited by Women's Health and Genetics/Laboratory Corporation of America, LabCorp); PubMed 25318351 (cited by Women's Health and Genetics/Laboratory Corporation of America, LabCorp); PubMed 25980754 (cited by 3 submitters); PubMed 19781682 (cited by Women's Health and Genetics/Laboratory Corporation of America, LabCorp and Ambry Genetics); PubMed 17333338 (cited by Women's Health and Genetics/Laboratory Corporation of America, LabCorp and Ambry Genetics); PubMed 26689913 (cited by Women's Health and Genetics/Laboratory Corporation of America, LabCorp and Sema4); PubMed 31206626 (cited by Women's Health and Genetics/Laboratory Corporation of America, LabCorp); PubMed 29482223 (cited by Women's Health and Genetics/Laboratory Corporation of America, LabCorp); PubMed 33747920 (cited by Women's Health and Genetics/Laboratory Corporation of America, LabCorp); PubMed 33421217 (cited by Women's Health and Genetics/Laboratory Corporation of America, LabCorp); PubMed 35039564 (cited by Women's Health and Genetics/Laboratory Corporation of America, LabCorp); PubMed 35264596 (cited by Women's Health and Genetics/Laboratory Corporation of America, LabCorp); PubMed 25085752 (cited by Myriad Genetics, Inc.).